The following is an entry in ClinVar:

NM_001330078.2(NRXN1):c.82G>T (p.Gly28Cys)

Gene: NRXN1 (neurexin 1; minus strand). Cytogenetic location: 2p16.3.
Variant type: single nucleotide variant.
Coding change: c.82G>T on transcript NM_001330078.2 (MANE Select); coding-DNA position 82, G replaced by T.
Protein change: p.Gly28Cys; replaces glycine 28 with cysteine.
Molecular consequence: missense variant.
Genome position (GRCh38, 1-based): chr2:51,028,192, C>A on the plus strand (G>T on the coding strand, the complement: NRXN1 is on the minus strand). VCF-style: chr2-51028192-C-A. GRCh37 (hg19) VCF-style: chr2-51255330-C-A.
Other names: c.82G>T, p.Gly28Cys (NM_001135659.3, NM_001330077.2, NM_001330079.2 and 15 more transcripts); short protein forms G28C.
Identifiers: ClinVar variation 1721068 (VCV001721068.5), dbSNP rs200709052, ClinGen allele CA48054944.
Genomic context (GRCh38, chr2:51,028,192, plus strand): 5'-CGTTCCACTTGGGGAAGCGCGTCCATTGGCCCTCGGCGCCCGGAAACTCCAGCCCGCTGC[C>A]CAGCTCCGCCCAGCAGCCCAGGAGCAGCAGCGAGAGGCACAGAAGAAAACAGCCCCCGCG-3'
Protein context (NP_001317007.1, residues 18-38): LLLLGCWAEL[Gly28Cys]SGLEFPGAEG

ClinVar aggregate classification (germline): Uncertain significance (1 of 4 stars; one submission).

Conditions:
Pitt-Hopkins-like syndrome 2 (PTHSL2). Identifiers: Orphanet 221150, Orphanet 600663, MedGen C3280479, MONDO:0013690, OMIM 614325.

gnomAD v4.1: 1 of 1,493,664 alleles (0.000067%); highest among the groups gnomAD compares: East Asian, 0.0024%; no homozygotes.

Submission:

Labcorp Genetics (formerly Invitae), Labcorp
Classification: Uncertain significance for Pitt-Hopkins-like syndrome 2. Last evaluated: 2023-08-07. Review status: criteria provided, single submitter. Criteria: Invitae Variant Classification Sherloc (09022015). Collection method: clinical testing. Allele origin: germline.
Comment: This sequence change replaces glycine, which is neutral and non-polar, with cysteine, which is neutral and slightly polar, at codon 28 of the NRXN1 protein (p.Gly28Cys). This variant is not present in population databases (gnomAD no frequency). This variant has not been reported in the literature in individuals affected with NRXN1-related conditions. ClinVar contains an entry for this variant (Variation ID: 1721068). An algorithm developed to predict the effect of missense changes on protein structure and function (PolyPhen-2) suggests that this variant is likely to be disruptive. In summary, the available evidence is currently insufficient to determine the role of this variant in disease. Therefore, it has been classified as a Variant of Uncertain Significance.